The following is an entry in ClinVar:

ClinVar aggregate classification (germline): Likely benign (0 of 4 stars; one submission).

Conditions:
AP1G1-related disorder. Also called: AP1G1-related condition.

gnomAD v4.1: 45 of 1,614,228 alleles (0.0028%); highest among the groups gnomAD compares: African/African-American, 0.039%; no homozygotes.

Submission:

PreventionGenetics, part of Exact Sciences
Classification: Likely benign for AP1G1-related condition. Last evaluated: 2024-05-18. Review status: no assertion criteria provided. Collection method: clinical testing. Allele origin: germline.
Comment: This variant is classified as likely benign based on ACMG/AMP sequence variant interpretation guidelines (Richards et al. 2015 PMID: 25741868, with internal and published modifications).

NM_001128.6(AP1G1):c.2127A>G (p.Ala709=)

Gene: AP1G1 (adaptor related protein complex 1 subunit gamma 1; minus strand). Cytogenetic location: 16q22.2.
Variant type: single nucleotide variant.
Coding change: c.2127A>G on transcript NM_001128.6 (MANE Select); coding-DNA position 2127, A replaced by G.
Protein change: p.Ala709=; no amino-acid change (alanine 709 retained).
Molecular consequence: synonymous variant.
Genome position (GRCh38, 1-based): chr16:71,739,083, T>C on the plus strand (A>G on the coding strand, the complement: AP1G1 is on the minus strand). VCF-style: chr16-71739083-T-C. GRCh37 (hg19) VCF-style: chr16-71772986-T-C.
Other names: c.2136A>G, p.Ala712= (NM_001030007.2).
Identifiers: ClinVar variation 3357825 (VCV003357825.1).
Genomic context (GRCh38, chr16:71,739,083, plus strand): 5'-ACTGGGGTTGGTATTTGACCGTTCAAAGGTGAATTCTATCTTCAAGCCATTCTTACTGTA[T>C]GCTGTGATGGAGGGGATGCCTGAGAAAGTACAGGAAGATAAGTCTTATTGTAGTCAGCCT-3'
Protein context (NP_001119.3, residues 699-719): DIAAGIPSIT[Ala709=]YSKNGLKIEF